The following is an entry in ClinVar:

NM_025150.5(TARS2):c.1678G>C (p.Asp560His)

Gene: TARS2 (threonyl-tRNA synthetase 2, mitochondrial; plus strand). Cytogenetic location: 1q21.2.
Variant type: single nucleotide variant.
Coding change: c.1678G>C on transcript NM_025150.5 (MANE Select); coding-DNA position 1678, G replaced by C.
Protein change: p.Asp560His; replaces aspartic acid 560 with histidine.
Molecular consequence: missense variant. On other transcripts: non-coding transcript variant (2).
Genome position (GRCh38, 1-based): chr1:150,504,395, G>C. VCF-style: chr1-150504395-G-C. GRCh37 (hg19) VCF-style: chr1-150476871-G-C.
Other names: c.1432G>C, p.Asp478His (NM_001271895.2); c.1288G>C, p.Asp430His (NM_001271896.2); short protein forms D430H, D478H, D560H.
Identifiers: ClinVar variation 1174009 (VCV001174009.4), dbSNP rs2102510285, ClinGen allele CA342329670.
Genomic context (GRCh38, chr1:150,504,395, plus strand): 5'-ATTGACGTGCACCTCCACGATGCCCTGGGCCGGCCACATCAGTGTGGGACAATTCAGCTT[G>C]ACTTCCAACTGCCCCTGAGATTTGACCTCCAGTATAAGGGGTATAAAACCTTGCCCTATC-3'
Protein context (NP_079426.2, residues 550-570): RPHQCGTIQL[Asp560His]FQLPLRFDLQ

ClinVar aggregate classification (germline): Likely pathogenic. Review status: criteria provided, single submitter (1 of 4 stars). 2 submissions from 2 submitters: Likely pathogenic (1). 1 of the submissions does not count toward it. Last evaluated 2024-05-31.

Conditions:
Combined oxidative phosphorylation defect type 21. Also called: Combined oxidative phosphorylation deficiency 21. Identifiers: Orphanet 420733, MedGen C4706316, MONDO:0014398, OMIM 615918.

Submissions (2):

GeneDx
Classification: Likely pathogenic. Last evaluated: 2024-05-31. Review status: criteria provided, single submitter. Criteria: GeneDx Variant Classification Process June 2021. Collection method: clinical testing. Allele origin: germline. Affected: yes.
Comment: Published functional studies suggest a damaging effect (PMID: 34508595); In silico analysis supports that this missense variant has a deleterious effect on protein structure/function; Not observed at significant frequency in large population cohorts (gnomAD); This variant is associated with the following publications: (PMID: 36218002, 34508595, 37454282)

Department of Clinical Genetics, Copenhagen University Hospital, Rigshospitalet
Classification: Likely pathogenic for Combined oxidative phosphorylation defect type 21. Review status: no assertion criteria provided. Collection method: clinical testing. Allele origin: inherited. Affected: yes. Not counted in ClinVar's aggregate classification.